The following is an entry in ClinVar:

NM_017654.4(SAMD9):c.464C>A (p.Pro155Gln)

Gene: SAMD9 (sterile alpha motif domain containing 9; minus strand). Cytogenetic location: 7q21.2.
Variant type: single nucleotide variant.
Coding change: c.464C>A on transcript NM_017654.4 (MANE Select); coding-DNA position 464, C replaced by A.
Protein change: p.Pro155Gln; replaces proline 155 with glutamine.
Molecular consequence: missense variant.
Genome position (GRCh38, 1-based): chr7:93,105,634, G>T on the plus strand (C>A on the coding strand, the complement: SAMD9 is on the minus strand). VCF-style: chr7-93105634-G-T. GRCh37 (hg19) VCF-style: chr7-92734947-G-T.
Other names: c.464C>A, p.Pro155Gln (NM_001193307.2); short protein forms P155Q.
Identifiers: ClinVar variation 3949728 (VCV003949728.1).
Genomic context (GRCh38, chr7:93,105,634, plus strand): 5'-TAACGATATGGATTACTGAATTCATCAAATGGATATGATACACATGTCAGGTCTATGGAT[G>T]GTTGCCTTTCCTTTGTATAATCTATTTTATCTTCTATGAGCTCAACTTTTAGTGACTTAG-3'
Protein context (NP_060124.2, residues 145-165): DKIDYTKERQ[Pro155Gln]SIDLTCVSYP

ClinVar aggregate classification (germline): Uncertain significance (1 of 4 stars; one submission).

Conditions:
Inborn genetic diseases. Identifiers: MedGen C0950123, MeSH D030342.

gnomAD v4.1: 4 of 1,614,062 alleles (0.00025%); highest among the groups gnomAD compares: South Asian, 0.0011%; no homozygotes.

Submission:

Ambry Genetics
Classification: Uncertain significance for Inborn genetic diseases. Last evaluated: 2025-06-12. Review status: criteria provided, single submitter. Criteria: Ambry Variant Classification Scheme 2023. Collection method: clinical testing. Allele origin: germline.
Comment: The p.P155Q variant (also known as c.464C>A), located in coding exon 1 of the SAMD9 gene, results from a C to A substitution at nucleotide position 464. The proline at codon 155 is replaced by glutamine, an amino acid with similar properties. This amino acid position is conserved. In addition, this alteration is predicted to be tolerated by in silico analysis. Based on the available evidence, the clinical significance of this variant remains unclear.